The following is an entry in ClinVar:

ClinVar aggregate classification (germline): Pathogenic. Review status: criteria provided, multiple submitters, no conflicts (2 of 4 stars). 3 submissions from 3 submitters: Pathogenic (2). 1 of the submissions does not count toward it. Last evaluated 2026-09-08.

Conditions:
Fabry disease. Also called: ALPHA-GALACTOSIDASE A DEFICIENCY; ANDERSON-FABRY DISEASE; CERAMIDE TRIHEXOSIDASE DEFICIENCY; Fabry's disease; Ceramide trihexosidosis; Angiokeratoma corporis diffusum. Identifiers: Orphanet 324, MedGen C0002986, MONDO:0010526, OMIM 301500, HP:0001071. Disease mechanism: Fabry disease is due to inactivating mutations in the X-linked GLA gene resulting in deficiency of the enzyme Alpha Galactosidase-A., loss of function.

Submissions (3):

Genomenon, Inc
Classification: Pathogenic for Fabry disease. Last evaluated: 2026-09-08. Review status: criteria provided, single submitter. Criteria: Genomenon Sequence Variant Interpretation Standards - Updated. Collection method: curation. Allele origin: germline. Affected: yes.
Comment: GLA p.Asp266Ala (c.797A>C) is a missense variant that changes the amino acid at codon 266 from Aspartic acid to Alanine. This variant has been observed in at least one proband with clinical features consistent with Fabry disease (PMID:39182239). The variant was found to segregate with disease in at least one affected family (PMID:39182239). At least one functional study has demonstrated a substantial alteration in protein function relative to the wild-type (PMID:27657681). This variant is located in a mutational hotspot and/or important functional domain. It is absent or not present at a significant frequency in gnomAD. In silico models predict that this variant is possibly or probably damaging. In conclusion, we classify GLA p.Asp266Ala (c.797A>C) as a pathogenic variant.

Women's Health and Genetics/Laboratory Corporation of America, LabCorp
Classification: Pathogenic for Fabry disease. Last evaluated: 2025-02-24. Review status: criteria provided, single submitter. Criteria: LabCorp Variant Classification Summary - May 2015. Collection method: clinical testing. Allele origin: germline.
Comment: Variant summary: GLA c.797A>C (p.Asp266Ala) results in a non-conservative amino acid change in the encoded protein sequence. Five of five in-silico tools predict a damaging effect of the variant on protein function. The variant was absent in 183472 control chromosomes (gnomAD). c.797A>C has been reported in the literature in individuals affected with Fabry Disease (Militaru_20). These data indicate that the variant is very likely to be associated with disease. A different variant affecting the same codon has been classified as pathogenic by our lab (c.797A>T, p.Asp266Val), supporting the critical relevance of codon 266 to GLA protein function. The following publications have been ascertained in the context of this evaluation (PMID: 32042454, 31475953). ClinVar contains an entry for this variant (Variation ID: 228701). Based on the evidence outlined above, the variant was classified as pathogenic.

Laboratory for Molecular Medicine, Mass General Brigham Personalized Medicine
Classification: Uncertain significance. Last evaluated: 2015-03-11. Review status: flagged submission. Criteria: LMM Criteria. Collection method: clinical testing. Allele origin: germline. Observed: 1 variant allele. Not counted in ClinVar's aggregate classification.
Comment: Variant classified as Uncertain Significance - Favor Pathogenic. In addition, 5 different variants at this position (p.Asp266Val, p.Asp266His, p.Asp266Asn; p.A sp266Glu and p.Asp266Tyr) have been reported in at least 5 individuals with Fabr y disease (Eng 1993, Ashton-Prolla 2000, Lee 2000, Germain 2002, Erdos 2008), ra ising the possibility that a change at this position may not be tolerated. Compu tational prediction tools and evolutionary conservation analysis also suggest th at this variant may impact the protein, though this information is not predictiv e enough to determine pathogenicity. In summary, while there is some suspicion f or a pathogenic role, the clinical significance of the p.Asp266Ala variant is un certain.
ClinVar note: Reason: Older claim that does not account for recent evidence

Literature cited by the submitters: PubMed 39182239 (cited by Genomenon, Inc); PubMed 27657681 (cited by Genomenon, Inc); PubMed 32042454 (cited by Women's Health and Genetics/Laboratory Corporation of America, LabCorp); PubMed 31475953 (cited by Women's Health and Genetics/Laboratory Corporation of America, LabCorp); PubMed 10916280 (cited by Laboratory for Molecular Medicine, Mass General Brigham Personalized Medicine); PubMed 12428061 (cited by Laboratory for Molecular Medicine, Mass General Brigham Personalized Medicine); PubMed 18849176 (cited by Laboratory for Molecular Medicine, Mass General Brigham Personalized Medicine); PubMed 23568732 (cited by Laboratory for Molecular Medicine, Mass General Brigham Personalized Medicine); PubMed 7504405 (cited by Laboratory for Molecular Medicine, Mass General Brigham Personalized Medicine); PubMed 11076046 (cited by Laboratory for Molecular Medicine, Mass General Brigham Personalized Medicine).

NM_000169.3(GLA):c.797A>C (p.Asp266Ala)

Genes: GLA (galactosidase alpha; minus strand), RPL36A-HNRNPH2 (RPL36A-HNRNPH2 readthrough; plus strand). Cytogenetic location: Xq22.1.
Variant type: single nucleotide variant.
Coding change: c.797A>C on transcript NM_000169.3 (MANE Select); coding-DNA position 797, A replaced by C.
Protein change: p.Asp266Ala; replaces aspartic acid 266 with alanine.
Molecular consequence: missense variant. On other transcripts: non-coding transcript variant (3), intron variant (2).
Genome position (GRCh38, 1-based): chrX:101,398,789, T>G on the plus strand (A>C on the coding strand, the complement: GLA is on the minus strand). VCF-style: chrX-101398789-T-G. GRCh37 (hg19) VCF-style: chrX-100653777-T-G.
Other names: c.920A>C, p.Asp307Ala (NM_001406747.1); c.797A>C, p.Asp266Ala (NM_001406748.1); c.300+3332T>G (NM_001199973.2); c.177+6967T>G (NM_001199974.2); short protein forms D266A, D307A.
Identifiers: ClinVar variation 228701 (VCV000228701.7), dbSNP rs28935487, ClinGen allele CA10577207.